The following is an entry in ClinVar:

NM_003978.5(PSTPIP1):c.1195G>A (p.Val399Met)

Gene: PSTPIP1 (proline-serine-threonine phosphatase interacting protein 1; plus strand). Cytogenetic location: 15q24.3.
Variant type: single nucleotide variant.
Coding change: c.1195G>A on transcript NM_003978.5 (MANE Select); coding-DNA position 1195, G replaced by A.
Protein change: p.Val399Met; replaces valine 399 with methionine.
Molecular consequence: missense variant. On other transcripts: non-coding transcript variant (1).
Genome position (GRCh38, 1-based): chr15:77,037,120, G>A. VCF-style: chr15-77037120-G-A. GRCh37 (hg19) VCF-style: chr15-77329461-G-A.
Other names: c.1138G>A, p.Val380Met (NM_001321135.2); c.1168G>A, p.Val390Met (NM_001321136.2); c.1390G>A, p.Val464Met (NM_001321137.1); c.1186G>A, p.Val396Met (NM_001411086.1); short protein forms V390M, V464M, V380M, V396M, V399M.
Identifiers: ClinVar variation 3707347 (VCV003707347.2).

ClinVar aggregate classification (germline): Uncertain significance (1 of 4 stars; one submission).

Conditions:
Pyogenic arthritis-pyoderma gangrenosum-acne syndrome (PAPA). Also called: FAMILIAL RECURRENT ARTHRITIS; PAPA SYNDROME. Identifiers: Orphanet 69126, MedGen C1858361, MONDO:0011462, OMIM 604416.

Submission:

Labcorp Genetics (formerly Invitae), Labcorp
Classification: Uncertain significance for Pyogenic arthritis-pyoderma gangrenosum-acne syndrome. Last evaluated: 2025-07-22. Review status: criteria provided, single submitter. Criteria: Invitae Variant Classification Sherloc (09022015). Collection method: clinical testing. Allele origin: germline.
Comment: This sequence change replaces valine, which is neutral and non-polar, with methionine, which is neutral and non-polar, at codon 399 of the PSTPIP1 protein (p.Val399Met). This variant is present in population databases (rs746666218, gnomAD 0.006%). This variant has not been reported in the literature in individuals affected with PSTPIP1-related conditions. ClinVar contains an entry for this variant (Variation ID: 3707347). Invitae Evidence Modeling of protein sequence and biophysical properties (such as structural, functional, and spatial information, amino acid conservation, physicochemical variation, residue mobility, and thermodynamic stability) indicates that this missense variant is expected to disrupt PSTPIP1 protein function with a positive predictive value of 80%. In summary, the available evidence is currently insufficient to determine the role of this variant in disease. Therefore, it has been classified as a Variant of Uncertain Significance.